The following is an entry in ClinVar:

NM_000169.3(GLA):c.195-1144C>T

Genes: GLA (galactosidase alpha; minus strand), RPL36A-HNRNPH2 (RPL36A-HNRNPH2 readthrough; plus strand). Cytogenetic location: Xq22.1.
Variant type: single nucleotide variant.
Coding change: c.195-1144C>T on transcript NM_000169.3 (MANE Select); 1144 bases into the intron before coding-DNA position 195, C replaced by T.
Molecular consequence: intron variant. On other transcripts: missense variant (2).
Genome position (GRCh38, 1-based): chrX:101,405,129, G>A on the plus strand (C>T on the coding strand, the complement: GLA is on the minus strand). VCF-style: chrX-101405129-G-A. GRCh37 (hg19) VCF-style: chrX-100660117-G-A.
Other names: c.299C>T, p.Ala100Val (NM_001406747.1, NM_001406749.1); c.301-6807G>A (NM_001199973.2); c.178-6807G>A (NM_001199974.2); c.195-1144C>T (NM_001406748.1); short protein forms A100V.
Identifiers: ClinVar variation 2571375 (VCV002571375.27), dbSNP rs1426022800, ClinGen allele CA869307794.

ClinVar aggregate classification (germline): Likely benign (1 of 4 stars; one submission).

Allele frequency attached by ClinVar (database versions not stated): gnomAD 0.00013.
gnomAD v4.1: 14 of 107,084 alleles (0.013%); highest among the groups gnomAD compares: Non-Finnish European, 0.017%; no homozygotes.

Submission:

CeGaT Center for Human Genetics Tuebingen
Classification: Likely benign. Last evaluated: 2024-08-01. Review status: criteria provided, single submitter. Criteria: CeGaT Center For Human Genetics Tuebingen Variant Classification Criteria Version 2. Collection method: clinical testing. Allele origin: germline. Affected: yes. Observed: 7 variant alleles.
Comment: GLA: BS2